The following is an entry in ClinVar:

NM_001567.4(INPPL1):c.3466C>T (p.Arg1156Trp)

Gene: INPPL1 (inositol polyphosphate phosphatase like 1; plus strand). Cytogenetic location: 11q13.4.
Variant type: single nucleotide variant.
Coding change: c.3466C>T on transcript NM_001567.4 (MANE Select); coding-DNA position 3466, C replaced by T.
Protein change: p.Arg1156Trp; replaces arginine 1156 with tryptophan.
Molecular consequence: missense variant.
Genome position (GRCh38, 1-based): chr11:72,237,710, C>T. VCF-style: chr11-72237710-C-T. GRCh37 (hg19) VCF-style: chr11-71948754-C-T.
Other names: c.3466C>T (NM_001567.3); short protein forms R1156W.
Identifiers: ClinVar variation 1424063 (VCV001424063.6), dbSNP rs201213980, ClinGen allele CA6170644.
Genomic context (GRCh38, chr11:72,237,710, plus strand): 5'-GCCCCTGCTGGGCCTGCACGCTCAGCGCTCCTCCCAGGCCCCCTGGAGCTGCAGCCCCCC[C>T]GGGGACTGCCCTCGGACTATGGCCGGCCCCTCAGCTTCCCTCCACCCCGCATCCGGGAGA-3'
Protein context (NP_001558.3, residues 1146-1166): LPGPLELQPP[Arg1156Trp]GLPSDYGRPL

ClinVar aggregate classification (germline): Uncertain significance. Review status: criteria provided, multiple submitters, no conflicts (2 of 4 stars). 3 submissions from 3 submitters: Uncertain significance (3). Last evaluated 2025-12-01.

Conditions:
Inborn genetic diseases. Identifiers: MedGen C0950123, MeSH D030342.

gnomAD v4.1: 118 of 1,611,300 alleles (0.0073%); highest among the groups gnomAD compares: South Asian, 0.079%; 2 homozygotes.

Submissions (3):

Labcorp Genetics (formerly Invitae), Labcorp
Classification: Uncertain significance. Last evaluated: 2025-12-01. Review status: criteria provided, single submitter. Criteria: Invitae Variant Classification Sherloc (09022015). Collection method: clinical testing. Allele origin: germline.
Comment: This sequence change replaces arginine, which is basic and polar, with tryptophan, which is neutral and slightly polar, at codon 1156 of the INPPL1 protein (p.Arg1156Trp). This variant is present in population databases (rs201213980, gnomAD 0.07%), including at least one homozygous and/or hemizygous individual. This variant has not been reported in the literature in individuals affected with INPPL1-related conditions. ClinVar contains an entry for this variant (Variation ID: 1424063). An algorithm developed to predict the effect of missense changes on protein structure and function (PolyPhen-2) suggests that this variant is likely to be disruptive. In summary, the available evidence is currently insufficient to determine the role of this variant in disease. Therefore, it has been classified as a Variant of Uncertain Significance.

GeneDx
Classification: Uncertain significance. Last evaluated: 2024-08-14. Review status: criteria provided, single submitter. Criteria: GeneDx Variant Classification Process June 2021. Collection method: clinical testing. Allele origin: germline. Affected: yes.
Comment: In silico analysis supports that this missense variant has a deleterious effect on protein structure/function; Has not been previously published as pathogenic or benign to our knowledge

Ambry Genetics
Classification: Uncertain significance for Inborn genetic diseases. Last evaluated: 2023-10-13. Review status: criteria provided, single submitter. Criteria: Ambry Variant Classification Scheme 2023. Collection method: clinical testing. Allele origin: germline.